The following is an entry in ClinVar:

NM_000784.4(CYP27A1):c.243G>A (p.Leu81=)

Gene: CYP27A1 (cytochrome P450 family 27 subfamily A member 1; plus strand). Cytogenetic location: 2q35.
Variant type: single nucleotide variant.
Coding change: c.243G>A on transcript NM_000784.4 (MANE Select); coding-DNA position 243, G replaced by A.
Protein change: p.Leu81=; no amino-acid change (leucine 81 retained).
Molecular consequence: synonymous variant.
Genome position (GRCh38, 1-based): chr2:218,782,425, G>A. VCF-style: chr2-218782425-G-A. GRCh37 (hg19) VCF-style: chr2-219647148-G-A.
Other names: p.Leu81=.
Identifiers: ClinVar variation 65616 (VCV000065616.50), dbSNP rs75897848, ClinGen allele CA200330.
Genomic context (GRCh38, chr2:218,782,425, plus strand): 5'-ACGTCTAGGACAGCTGCGCTTCTTCTTTCAGCTGTTCGTTCAAGGCTATGCCCTGCAACT[G>A]CACCAGTTACAGGTAACCCGCGGGGGCATCGCGTCCTGGGGATGGGAGTGGGCACCGGAA-3'
Protein context (NP_000775.1, residues 71-91): QLFVQGYALQ[Leu81=]HQLQVLYKAK

ClinVar aggregate classification (germline): Benign/Likely benign. Review status: criteria provided, multiple submitters, no conflicts (2 of 4 stars). 11 submissions from 11 submitters: Benign (3); Likely benign (7). 1 of the submissions does not count toward it. Last evaluated 2026-04-01.

Conditions:
Cardiovascular phenotype. Identifiers: MedGen CN230736.
CYP27A1-related disorder. Also called: CYP27A1-related condition.
Cholestanol storage disease (CTX). Also called: CEREBRAL CHOLESTERINOSIS; CTX: Cerebrotendinous xanthomatosis; Cerebrotendinous Xanthomatosis. Identifiers: Orphanet 909, MedGen C0238052, MONDO:0008948, OMIM 213700.

Allele frequency attached by ClinVar (database versions not stated): gnomAD exomes 0.00026 and 0.00057; ExAC 0.00069; gnomAD 0.00214 and 0.00225; TOPMed 0.00258; ESP Exome Variant Server 0.00261; 1000 Genomes Project 0.00339; 1000 Genomes Project 30x 0.00375.
gnomAD v4.1: 730 of 1,614,232 alleles (0.045%); highest among the groups gnomAD compares: African/African-American, 0.83%; 3 homozygotes.

Submissions (11):

CeGaT Center for Human Genetics Tuebingen
Classification: Likely benign. Last evaluated: 2026-04-01. Review status: criteria provided, single submitter. Criteria: CeGaT Center For Human Genetics Tuebingen Variant Classification Criteria Version 2. Collection method: clinical testing. Allele origin: germline. Affected: yes. Observed: 2 variant alleles.
Comment: CYP27A1: BP4, BP7

Labcorp Genetics (formerly Invitae), Labcorp
Classification: Benign for Cholestanol storage disease. Last evaluated: 2026-02-04. Review status: criteria provided, single submitter. Criteria: Invitae Variant Classification Sherloc (09022015). Collection method: clinical testing. Allele origin: germline.

Mayo Clinic Laboratories, Mayo Clinic
Classification: Likely benign. Last evaluated: 2025-04-29. Review status: criteria provided, single submitter. Criteria: ACMG Guidelines, 2015. Collection method: clinical testing. Allele origin: germline. Observed: 3 variant alleles.
Comment: BS1, BP4, BP7

PreventionGenetics, part of Exact Sciences
Classification: Benign for CYP27A1-related condition. Last evaluated: 2024-11-26. Review status: criteria provided, single submitter. Criteria: ACMG Guidelines, 2015. Collection method: clinical testing. Allele origin: germline.
Comment: This variant is classified as benign based on ACMG/AMP sequence variant interpretation guidelines (Richards et al. 2015 PMID: 25741868, with internal and published modifications).

Blueprint Genetics
Classification: Likely benign. Last evaluated: 2024-06-26. Review status: criteria provided, single submitter. Criteria: ACMG Guidelines, 2015. Collection method: clinical testing. Allele origin: germline.

Ambry Genetics
Classification: Likely benign for Cardiovascular phenotype. Last evaluated: 2022-02-14. Review status: criteria provided, single submitter. Criteria: Ambry Variant Classification Scheme 2023. Collection method: clinical testing. Allele origin: germline.

GeneDx
Classification: Likely benign. Last evaluated: 2021-05-20. Review status: criteria provided, single submitter. Criteria: GeneDx Variant Classification Process June 2021. Collection method: clinical testing. Allele origin: germline. Affected: yes.

Illumina Laboratory Services, Illumina
Classification: Likely benign for Cholestanol storage disease. Last evaluated: 2017-04-28. Review status: criteria provided, single submitter. Criteria: ICSL Variant Classification Criteria 13 December 2019. Collection method: clinical testing. Allele origin: germline.
Comment: This variant was observed as part of a predisposition screen in an ostensibly healthy population. A literature search was performed for the gene, cDNA change, and amino acid change (where applicable). No publications were found based on this search. Allele frequency data from public databases allowed determination this variant is unlikely to cause disease. Therefore, this variant is classified as likely benign.

Eurofins Ntd Llc (ga)
Classification: Benign. Last evaluated: 2015-01-05. Review status: criteria provided, single submitter. Criteria: EGL Classification Definitions 2015. Collection method: clinical testing. Allele origin: germline. Observed: 1 variant allele, 1 heterozygote.

Breakthrough Genomics
Classification: Likely benign. Review status: criteria provided, single submitter. Criteria: ACMG Guidelines, 2015. Collection method: not provided. Allele origin: germline. Inheritance: Autosomal recessive inheritance. Affected: yes.

Natera, Inc.
Classification: Likely benign for Cerebrotendinous xanthomatosis. Last evaluated: 2019-12-16. Review status: no assertion criteria provided. Collection method: clinical testing. Allele origin: germline. Not counted in ClinVar's aggregate classification.